The following is an entry in ClinVar:

NM_002476.2(MYL4):c.136-2A>C

Gene: MYL4 (myosin light chain 4; plus strand). Cytogenetic location: 17q21.32.
Variant type: single nucleotide variant.
Coding change: c.136-2A>C on transcript NM_002476.2 (MANE Select); the canonical splice acceptor site of the intron before coding-DNA position 136, A replaced by C.
Molecular consequence: splice acceptor variant.
Genome position (GRCh38, 1-based): chr17:47,213,797, A>C. VCF-style: chr17-47213797-A-C. GRCh37 (hg19) VCF-style: chr17-45291163-A-C.
Other names: c.136-2A>C (NM_001002841.2).
Identifiers: ClinVar variation 4728001 (VCV004728001.1).

ClinVar aggregate classification (germline): Likely pathogenic (1 of 4 stars; one submission).

Conditions:
Atrial fibrillation, familial, 18 (ATFB18). Identifiers: MedGen C4310636, MONDO:0015001, OMIM 617280.

gnomAD v4.1: 1 of 1,614,078 alleles (0.000062%); highest among the groups gnomAD compares: Non-Finnish European, 0.000085%; no homozygotes.

Submission:

Labcorp Genetics (formerly Invitae), Labcorp
Classification: Likely pathogenic for Atrial fibrillation, familial, 18. Last evaluated: 2025-09-28. Review status: criteria provided, single submitter. Criteria: Invitae Variant Classification Sherloc (09022015). Collection method: clinical testing. Allele origin: germline.
Comment: This sequence change affects an acceptor splice site in intron 2 of the MYL4 gene. It is expected to disrupt RNA splicing. Variants that disrupt the donor or acceptor splice site typically lead to a loss of protein function (PMID: 16199547), and loss-of-function variants in MYL4 are known to be pathogenic (PMID: 25807286, 27742809). This variant is not present in population databases (gnomAD no frequency). This variant has not been reported in the literature in individuals affected with MYL4-related conditions. Algorithms developed to predict the effect of sequence changes on RNA splicing suggest that this variant may disrupt the consensus splice site. In summary, the currently available evidence indicates that the variant is pathogenic, but additional data are needed to prove that conclusively. Therefore, this variant has been classified as Likely Pathogenic.

Literature cited by the submitters: PubMed 16199547; PubMed 25807286; PubMed 27742809.